The following is an entry in ClinVar:

NM_032776.3(JMJD1C):c.258C>G (p.His86Gln)

Gene: JMJD1C (jumonji domain containing 1C; minus strand). Cytogenetic location: 10q21.3.
Variant type: single nucleotide variant.
Coding change: c.258C>G on transcript NM_032776.3 (MANE Select); coding-DNA position 258, C replaced by G.
Protein change: p.His86Gln; replaces histidine 86 with glutamine.
Molecular consequence: missense variant. On other transcripts: 5 prime UTR variant (2).
Genome position (GRCh38, 1-based): chr10:63,380,393, G>C on the plus strand (C>G on the coding strand, the complement: JMJD1C is on the minus strand). VCF-style: chr10-63380393-G-C. GRCh37 (hg19) VCF-style: chr10-65140153-G-C.
Other names: c.-289C>G (NM_001318154.2); c.258C>G, p.His86Gln (NM_001322252.2); c.-294C>G (NM_001322258.2); short protein forms H86Q.
Identifiers: ClinVar variation 1057148 (VCV001057148.9), dbSNP rs781497575, ClinGen allele CA5519136.

ClinVar aggregate classification (germline): Uncertain significance (1 of 4 stars; one submission).

Conditions:
Early Myoclonic Encephalopathy. Identifiers: MedGen C0270855.

Allele frequency attached by ClinVar (database versions not stated): ExAC 0.00001; gnomAD exomes below 0.00001 and 0.00001.
gnomAD v4.1: 16 of 1,613,956 alleles (0.00099%); highest among the groups gnomAD compares: Non-Finnish European, 0.0013%; no homozygotes.

Submission:

Labcorp Genetics (formerly Invitae), Labcorp
Classification: Uncertain significance for Early Myoclonic Encephalopathy. Last evaluated: 2023-07-25. Review status: criteria provided, single submitter. Criteria: Invitae Variant Classification Sherloc (09022015). Collection method: clinical testing. Allele origin: germline.
Comment: This sequence change replaces histidine, which is basic and polar, with glutamine, which is neutral and polar, at codon 86 of the JMJD1C protein (p.His86Gln). This variant is present in population databases (rs781497575, gnomAD 0.0009%). This variant has not been reported in the literature in individuals affected with JMJD1C-related conditions. ClinVar contains an entry for this variant (Variation ID: 1057148). Algorithms developed to predict the effect of missense changes on protein structure and function output the following: SIFT: "Not Available"; PolyPhen-2: "Benign"; Align-GVGD: "Not Available". The glutamine amino acid residue is found in multiple mammalian species, which suggests that this missense change does not adversely affect protein function. In summary, the available evidence is currently insufficient to determine the role of this variant in disease. Therefore, it has been classified as a Variant of Uncertain Significance.